The following is an entry in ClinVar:

NM_182961.4(SYNE1):c.13A>G (p.Arg5Gly)

Gene: SYNE1 (spectrin repeat containing nuclear envelope protein 1; minus strand). Cytogenetic location: 6q25.2.
Variant type: single nucleotide variant.
Coding change: c.13A>G on transcript NM_182961.4 (MANE Select); coding-DNA position 13, A replaced by G.
Protein change: p.Arg5Gly; replaces arginine 5 with glycine.
Molecular consequence: missense variant.
Genome position (GRCh38, 1-based): chr6:152,628,319, T>C on the plus strand (A>G on the coding strand, the complement: SYNE1 is on the minus strand). VCF-style: chr6-152628319-T-C. GRCh37 (hg19) VCF-style: chr6-152949454-T-C.
Other names: c.13A>G (NM_033071.3); c.13A>G, p.Arg5Gly (NM_033071.5); short protein forms R5G.
Identifiers: ClinVar variation 1360599 (VCV001360599.8), dbSNP rs777385898, ClinGen allele CA4059918.
Genomic context (GRCh38, chr6:152,628,319, plus strand): 5'-CCCTACCTTGCAGCCTCTGCATCACATTGGCGATATCCCGAGGACACCGGGAGGCCCCTC[T>C]GGAGGTTGCCATGGTCCCTCCGGAAGCACGAAGCCAACACCAAGAGACTCTTCACTGGAG-3'
Protein context (NP_892006.3, residues 1-15): MATS[Arg5Gly]GASRCPRDIA

ClinVar aggregate classification (germline): Uncertain significance. Review status: criteria provided, multiple submitters, no conflicts (2 of 4 stars). 2 submissions from 2 submitters: Uncertain significance (2). Last evaluated 2021-08-30.

Conditions:
Autosomal recessive ataxia, Beauce type. Also called: SYNE1-Related Autosomal Recessive Cerebellar Ataxia; SYNE1 Deficiency; Spinocerebellar ataxia, autosomal recessive 8; ATAXIA, RECESSIVE, OF BEAUCE. Identifiers: Orphanet 88644, MedGen C1853116, MONDO:0012549, OMIM 610743.
Emery-Dreifuss muscular dystrophy 4, autosomal dominant (EDMD4). Also called: EMERY-DREIFUSS MUSCULAR DYSTROPHY 4 WITH VARIABLE FEATURES. Identifiers: Orphanet 261, MedGen C2751807, MONDO:0013071, OMIM 612998.

Allele frequency attached by ClinVar (database versions not stated): ExAC 0.00002; gnomAD exomes 0.00002.
gnomAD v4.1: 8 of 1,614,198 alleles (0.0005%); highest among the groups gnomAD compares: South Asian, 0.0088%; no homozygotes.

Submissions (2):

Labcorp Genetics (formerly Invitae), Labcorp
Classification: Uncertain significance for Emery-Dreifuss muscular dystrophy 4, autosomal dominant; Autosomal recessive ataxia, Beauce type. Last evaluated: 2021-08-30. Review status: criteria provided, single submitter. Criteria: Invitae Variant Classification Sherloc (09022015). Collection method: clinical testing. Allele origin: germline.
Comment: In summary, the available evidence is currently insufficient to determine the role of this variant in disease. Therefore, it has been classified as a Variant of Uncertain Significance. Algorithms developed to predict the effect of missense changes on protein structure and function are either unavailable or do not agree on the potential impact of this missense change (SIFT: "Deleterious"; PolyPhen-2: "Benign"; Align-GVGD: "Class C0"). This variant has not been reported in the literature in individuals affected with SYNE1-related conditions. This variant is present in population databases (rs777385898, ExAC 0.02%). This sequence change replaces arginine with glycine at codon 5 of the SYNE1 protein (p.Arg5Gly). The arginine residue is moderately conserved and there is a moderate physicochemical difference between arginine and glycine.

Revvity Omics, Revvity
Classification: Uncertain significance. Last evaluated: 2021-06-30. Review status: criteria provided, single submitter. Criteria: ACMG Guidelines, 2015. Collection method: clinical testing. Allele origin: germline.